The following is an entry in ClinVar:

ClinVar aggregate classification (germline): Uncertain significance (1 of 4 stars; one submission).

Submission:

GeneDx
Classification: Uncertain significance. Last evaluated: 2023-05-14. Review status: criteria provided, single submitter. Criteria: GeneDx Variant Classification Process June 2021. Collection method: clinical testing. Allele origin: germline. Affected: yes.
Comment: Not observed at significant frequency in large population cohorts (gnomAD); In silico analysis supports that this missense variant does not alter protein structure/function; Has not been previously published as pathogenic or benign to our knowledge

NM_001371928.1(AHDC1):c.3379C>G (p.Leu1127Val)

Gene: AHDC1 (AT-hook DNA binding motif containing 1; minus strand). Cytogenetic location: 1p36.11.
Variant type: single nucleotide variant.
Coding change: c.3379C>G on transcript NM_001371928.1 (MANE Select); coding-DNA position 3379, C replaced by G.
Protein change: p.Leu1127Val; replaces leucine 1127 with valine.
Molecular consequence: missense variant.
Genome position (GRCh38, 1-based): chr1:27,548,737, G>C on the plus strand (C>G on the coding strand, the complement: AHDC1 is on the minus strand). VCF-style: chr1-27548737-G-C. GRCh37 (hg19) VCF-style: chr1-27875248-G-C.
Other names: c.3379C>G, p.Leu1127Val (NM_001029882.3); short protein forms L1127V.
Identifiers: ClinVar variation 2662229 (VCV002662229.1), dbSNP rs2521871112, ClinGen allele CA339227062.